The following is an entry in ClinVar:

NM_001042492.3(NF1):c.4963A>T (p.Lys1655Ter)

Gene: NF1 (neurofibromin 1; plus strand). Cytogenetic location: 17q11.2.
Variant type: single nucleotide variant.
Coding change: c.4963A>T on transcript NM_001042492.3 (MANE Select); coding-DNA position 4963, A replaced by T.
Protein change: p.Lys1655Ter; replaces lysine 1655 with a stop codon.
Molecular consequence: nonsense.
Genome position (GRCh38, 1-based): chr17:31,325,947, A>T. VCF-style: chr17-31325947-A-T. GRCh37 (hg19) VCF-style: chr17-29652965-A-T.
Other names: c.4900A>T, p.Lys1634Ter (NM_000267.4); short protein forms K1634*, K1655*.
Identifiers: ClinVar variation 843916 (VCV000843916.7), dbSNP rs2069329312, ClinGen allele CA399007203.

ClinVar aggregate classification (germline): Pathogenic (1 of 4 stars; one submission).

Conditions:
Neurofibromatosis, type 1 (NF1). Also called: Peripheral type neurofibromatosis; VON RECKLINGHAUSEN DISEASE; Neurofibromatosis, type I; NEUROFIBROMATOSIS, TYPE I, SOMATIC. Identifiers: Orphanet 636, MedGen C0027831, MONDO:0018975, OMIM 162200. Disease mechanism: loss of function.

Submission:

Labcorp Genetics (formerly Invitae), Labcorp
Classification: Pathogenic for Neurofibromatosis, type 1. Last evaluated: 2025-10-09. Review status: criteria provided, single submitter. Criteria: Invitae Variant Classification Sherloc (09022015). Collection method: clinical testing. Allele origin: germline.
Comment: This sequence change creates a premature translational stop signal (p.Lys1634*) in the NF1 gene. It is expected to result in an absent or disrupted protein product. Loss-of-function variants in NF1 are known to be pathogenic (PMID: 10712197, 23913538). This variant is not present in population databases (gnomAD no frequency). This variant has not been reported in the literature in individuals affected with NF1-related conditions. ClinVar contains an entry for this variant (Variation ID: 843916). For these reasons, this variant has been classified as Pathogenic.

Literature cited by the submitters: PubMed 10712197; PubMed 23913538.